The following is an entry in ClinVar:

ClinVar aggregate classification (germline): Pathogenic (1 of 4 stars; one submission).

Submission:

Labcorp Genetics (formerly Invitae), Labcorp
Classification: Pathogenic. Last evaluated: 2023-08-24. Review status: criteria provided, single submitter. Criteria: Invitae Variant Classification Sherloc (09022015). Collection method: clinical testing. Allele origin: germline.
Comment: For these reasons, this variant has been classified as Pathogenic. This variant has not been reported in the literature in individuals affected with SPTB-related conditions. This variant is not present in population databases (gnomAD no frequency). This sequence change creates a premature translational stop signal (p.Val146Profs*27) in the SPTB gene. It is expected to result in an absent or disrupted protein product. Loss-of-function variants in SPTB are known to be pathogenic (PMID: 1391962, 1498324, 8844207, 26830532, 27292444).

Literature cited by the submitters: PubMed 1391962; PubMed 1498324; PubMed 8844207; PubMed 26830532; PubMed 27292444.

NM_001355436.2(SPTB):c.432_435dup (p.Val146fs)

Gene: SPTB (spectrin beta, erythrocytic; minus strand). Cytogenetic location: 14q23.3.
Variant type: Duplication.
Coding change: c.432_435dup on transcript NM_001355436.2 (MANE Select); coding-DNA positions 432 to 435, 4 bases duplicated (CCTG; older notation c.432_435dupCCTG).
Protein change: p.Val146fs; shifts the reading frame from valine 146.
Molecular consequence: frameshift variant.
Genome position (GRCh38, 1-based): chr14:64,803,646-64,803,649, CAGG duplicated on the plus strand (CCTG on the coding strand, the reverse complement: SPTB is on the minus strand); duplicating any 4 consecutive bases within chr14:64,803,646-64,803,650 gives the same sequence; the c. name uses the placement nearest the transcript's 3' end. VCF-style (leftmost placement, unchanged base first): chr14-64803645-C-CCAGG. GRCh37 (hg19) VCF-style: chr14-65270363-C-CCAGG.
Other names: c.432_435dup, p.Val146fs (NM_001024858.4, NM_001355437.2); short protein forms V146fs.
Identifiers: ClinVar variation 2754969 (VCV002754969.3), dbSNP rs2503219999, ClinGen allele CA2697554053.